The following is an entry in ClinVar:

NM_021870.3(FGG):c.1058C>T (p.Ala353Val)

Gene: FGG (fibrinogen gamma chain; minus strand). Cytogenetic location: 4q32.1.
Variant type: single nucleotide variant.
Coding change: c.1058C>T on transcript NM_021870.3 (MANE Select); coding-DNA position 1058, C replaced by T.
Protein change: p.Ala353Val; replaces alanine 353 with valine.
Molecular consequence: missense variant.
Genome position (GRCh38, 1-based): chr4:154,606,776, G>A on the plus strand (C>T on the coding strand, the complement: FGG is on the minus strand). VCF-style: chr4-154606776-G-A. GRCh37 (hg19) VCF-style: chr4-155527928-G-A.
Other names: c.1058C>T, p.Ala353Val (NM_000509.6); short protein forms A353V.
Identifiers: ClinVar variation 4884311 (VCV004884311.1).
Genomic context (GRCh38, chr4:154,606,776, plus strand): 5'-ACTCCATTGAGATGGCCAGCGTGACACTTGTTCATCCACCAACCAGATCCATCCTGTTCA[G>A]CACAGTTGCCTTCAAACTTATCATTGTCATTGTCCCAGGTACTGAACTGCATGCCATTAT-3'
Protein context (NP_068656.2, residues 343-363): NDNDKFEGNC[Ala353Val]EQDGSGWWMN

ClinVar aggregate classification (germline): Likely pathogenic (1 of 4 stars; one submission).

Conditions:
Bleeding and platelet disorders.

Submission:

North West Genomic Laboratory Hub, Manchester University NHS Foundation Trust
Classification: Likely pathogenic for Bleeding and platelet disorders. Last evaluated: 2025-10-09. Review status: criteria provided, single submitter. Criteria: ACGS Best Practice Guidelines for Variant Classification in Rare Disease 2024. Collection method: clinical testing. Allele origin: germline. Affected: yes.
Comment: PP1_Mod PP4_Supp PS4_Supp PP3_Supp PM2_Mod